The following is an entry in ClinVar:

NM_032119.4(ADGRV1):c.4545G>C (p.Glu1515Asp)

Gene: ADGRV1 (adhesion G protein-coupled receptor V1; plus strand). Cytogenetic location: 5q14.3.
Variant type: single nucleotide variant.
Coding change: c.4545G>C on transcript NM_032119.4 (MANE Select); coding-DNA position 4545, G replaced by C.
Protein change: p.Glu1515Asp; replaces glutamic acid 1515 with aspartic acid.
Molecular consequence: missense variant. On other transcripts: non-coding transcript variant (1).
Genome position (GRCh38, 1-based): chr5:90,658,071, G>C. VCF-style: chr5-90658071-G-C. GRCh37 (hg19) VCF-style: chr5-89953888-G-C.
Other names: c.4545G>C (NM_032119.3); short protein forms E1515D.
Identifiers: ClinVar variation 1037185 (VCV001037185.8), dbSNP rs1471591330, ClinGen allele CA360404025.
Genomic context (GRCh38, chr5:90,658,071, plus strand): 5'-TTATGAACTTCATGCCATGCCCGCAAAAAGTGATTTACACCCAATTTCTGGATATCTGGA[G>C]TTCAGACAGGGAGAAACTAACAAATCATTCATTATTTCTGCAAGAGATGACAATGACGAG-3'
Protein context (NP_115495.3, residues 1505-1525): SDLHPISGYL[Glu1515Asp]FRQGETNKSF

ClinVar aggregate classification (germline): Uncertain significance. Review status: criteria provided, multiple submitters, no conflicts (2 of 4 stars). 3 submissions from 3 submitters: Uncertain significance (3). Last evaluated 2024-09-26.

Allele frequency attached by ClinVar (database versions not stated): TOPMed 0.00002; gnomAD exomes 0.00001; gnomAD 0.00001.
gnomAD v4.1: 54 of 1,613,832 alleles (0.0033%); highest among the groups gnomAD compares: Non-Finnish European, 0.0042%; no homozygotes.

Submissions (3):

GeneDx
Classification: Uncertain significance. Last evaluated: 2024-09-26. Review status: criteria provided, single submitter. Criteria: GeneDx Variant Classification Process June 2021. Collection method: clinical testing. Allele origin: germline. Affected: yes.
Comment: Not observed at significant frequency in large population cohorts (gnomAD); In silico analysis indicates that this missense variant does not alter protein structure/function; Has not been previously published as pathogenic or benign to our knowledge

Blueprint Genetics
Classification: Uncertain significance. Last evaluated: 2024-08-21. Review status: criteria provided, single submitter. Criteria: ACMG Guidelines, 2015. Collection method: clinical testing. Allele origin: germline.

Labcorp Genetics (formerly Invitae), Labcorp
Classification: Uncertain significance. Last evaluated: 2021-08-20. Review status: criteria provided, single submitter. Criteria: Invitae Variant Classification Sherloc (09022015). Collection method: clinical testing. Allele origin: germline.
Comment: This sequence change replaces glutamic acid with aspartic acid at codon 1515 of the ADGRV1 protein (p.Glu1515Asp). The glutamic acid residue is moderately conserved and there is a small physicochemical difference between glutamic acid and aspartic acid. This variant is not present in population databases (ExAC no frequency). This variant has not been reported in the literature in individuals affected with ADGRV1-related conditions. Algorithms developed to predict the effect of missense changes on protein structure and function are either unavailable or do not agree on the potential impact of this missense change (SIFT: "Tolerated"; PolyPhen-2: "Possibly Damaging"; Align-GVGD: "Class C0"). In summary, the available evidence is currently insufficient to determine the role of this variant in disease. Therefore, it has been classified as a Variant of Uncertain Significance.